The following is an entry in ClinVar:

NM_024120.5(NDUFAF5):c.328-254C>G

Gene: NDUFAF5 (NADH:ubiquinone oxidoreductase complex assembly factor 5; plus strand). Cytogenetic location: 20p12.1.
Variant type: single nucleotide variant.
Coding change: c.328-254C>G on transcript NM_024120.5 (MANE Select); 254 bases into the intron before coding-DNA position 328, C replaced by G.
Molecular consequence: intron variant.
Genome position (GRCh38, 1-based): chr20:13,792,926, C>G. VCF-style: chr20-13792926-C-G. GRCh37 (hg19) VCF-style: chr20-13773572-C-G.
Other names: c.-234-254C>G (NM_001352407.2); c.-254-234C>G (NM_001352406.2); c.328-234C>G (NM_001039375.3); c.-40-254C>G (NM_001352403.2); c.328-254C>G (NM_001352408.2).
Identifiers: ClinVar variation 683425 (VCV000683425.1), dbSNP rs60914078, ClinGen allele CA14750653.

ClinVar aggregate classification (germline): Benign (1 of 4 stars; one submission).

Allele frequency attached by ClinVar (database versions not stated): 1000 Genomes Project 0.38019; 1000 Genomes Project 30x 0.38367; gnomAD 0.44545 and 0.44842; TOPMed 0.44705.
gnomAD v4.1: 67,794 of 151,970 alleles (45%); highest among the groups gnomAD compares: Middle Eastern, 53%; 15,446 homozygotes.

Submission:

GeneDx
Classification: Benign. Last evaluated: 2018-06-14. Review status: criteria provided, single submitter. Criteria: GeneDx Variant Classification (06012015). Collection method: clinical testing. Allele origin: germline. Affected: yes.
Comment: This variant is considered likely benign or benign based on one or more of the following criteria: it is a conservative change, it occurs at a poorly conserved position in the protein, it is predicted to be benign by multiple in silico algorithms, and/or has population frequency not consistent with disease.